The following is an entry in ClinVar:

NM_001519.4(BRF1):c.794_795insTTTA (p.Glu266fs)

Gene: BRF1 (BRF1 general transcription factor IIIB subunit; minus strand). Cytogenetic location: 14q32.33.
Variant type: Insertion.
Coding change: c.794_795insTTTA on transcript NM_001519.4 (MANE Select); coding-DNA positions 794 to 795, TTTA inserted.
Protein change: p.Glu266fs; shifts the reading frame from glutamic acid 266.
Molecular consequence: frameshift variant.
Genome position: GRCh38 VCF-style: chr14-105226754-C-CTAAA. GRCh37 (hg19) VCF-style: chr14-105693091-C-CTAAA.
Other names: c.449_450insTTTA, p.Glu151fs (NM_001242786.2, NM_001242787.2); c.713_714insTTTA, p.Glu239fs (NM_001242788.2); c.80_81insTTTA, p.Glu28fs (NM_001242789.2); c.182_183insTTTA, p.Glu62fs (NM_145685.3); short protein forms E151fs, E266fs, E62fs, E28fs, E239fs.
Identifiers: ClinVar variation 3135032 (VCV003135032.1), dbSNP rs2543306507, ClinGen allele CA2825002234.

ClinVar aggregate classification (germline): Pathogenic (1 of 4 stars; one submission).

Conditions:
Inborn genetic diseases. Identifiers: MedGen C0950123, MeSH D030342.

Submission:

Ambry Genetics
Classification: Pathogenic for Inborn genetic diseases. Last evaluated: 2021-04-26. Review status: criteria provided, single submitter. Criteria: Ambry Variant Classification Scheme 2023. Collection method: clinical testing. Allele origin: germline.
Comment: The c.794_795insTTTA (p.E266Lfs*4) alteration, located in coding exon 8 of the BRF1 gene, consists of an insertion of TTTA at position 794, causing a translational frameshift with a predicted alternate stop codon after 4 amino acids. This alteration is expected to result in loss of function by premature protein truncation or nonsense-mediated mRNA decay. Based on data from the Genome Aggregation Database (gnomAD), the BRF1 c.794_795insTTTA alteration was not observed, with coverage at this position. Based on the available evidence, this alteration is classified as pathogenic.